The following is an entry in ClinVar:

ClinVar aggregate classification (germline): Uncertain significance (1 of 4 stars; one submission).

Submission:

Labcorp Genetics (formerly Invitae), Labcorp
Classification: Uncertain significance. Last evaluated: 2025-07-13. Review status: criteria provided, single submitter. Criteria: Invitae Variant Classification Sherloc (09022015). Collection method: clinical testing. Allele origin: germline.
Comment: This sequence change replaces glutamic acid, which is acidic and polar, with glutamine, which is neutral and polar, at codon 979 of the MYH7B protein (p.Glu979Gln). This variant is not present in population databases (gnomAD no frequency). This variant has not been reported in the literature in individuals affected with MYH7B-related conditions. Invitae Evidence Modeling of protein sequence and biophysical properties (such as structural, functional, and spatial information, amino acid conservation, physicochemical variation, residue mobility, and thermodynamic stability) indicates that this missense variant is not expected to disrupt MYH7B protein function with a negative predictive value of 80%. In summary, the available evidence is currently insufficient to determine the role of this variant in disease. Therefore, it has been classified as a Variant of Uncertain Significance.

NM_020884.7(MYH7B):c.2809G>C (p.Glu937Gln)

Gene: MYH7B (myosin heavy chain 7B; plus strand). Cytogenetic location: 20q11.22.
Variant type: single nucleotide variant.
Coding change: c.2809G>C on transcript NM_020884.7 (MANE Select); coding-DNA position 2809, G replaced by C.
Protein change: p.Glu937Gln; replaces glutamic acid 937 with glutamine.
Molecular consequence: missense variant.
Genome position (GRCh38, 1-based): chr20:34,995,444, G>C. VCF-style: chr20-34995444-G-C. GRCh37 (hg19) VCF-style: chr20-33583247-G-C.
Other names: short protein forms E937Q.
Identifiers: ClinVar variation 4779455 (VCV004779455.1).